The following is an entry in ClinVar:

NM_001395656.1(ROBO2):c.3185C>T (p.Ser1062Phe)

Gene: ROBO2 (roundabout guidance receptor 2; plus strand). Cytogenetic location: 3p12.3.
Variant type: single nucleotide variant.
Coding change: c.3185C>T on transcript NM_001395656.1 (MANE Select); coding-DNA position 3185, C replaced by T.
Protein change: p.Ser1062Phe; replaces serine 1062 with phenylalanine.
Molecular consequence: missense variant.
Genome position (GRCh38, 1-based): chr3:77,607,834, C>T. VCF-style: chr3-77607834-C-T. GRCh37 (hg19) VCF-style: chr3-77656985-C-T.
Other names: c.3221C>T, p.Ser1074Phe (NM_001128929.3); c.3185C>T, p.Ser1062Phe (NM_001290039.2, NM_001290040.2); c.1394C>T, p.Ser465Phe (NM_001290065.2); c.3233C>T, p.Ser1078Phe (NM_001378190.1, NM_001378200.1, NM_001378201.1 and 1 more transcripts); c.3359C>T, p.Ser1120Phe (NM_001378191.1, NM_001378195.1, NM_001378196.1); c.3254C>T, p.Ser1085Phe (NM_001378192.1, NM_001378198.1, NM_001378199.1); c.3173C>T, p.Ser1058Phe (NM_001378193.1, NM_002942.5); c.3371C>T, p.Ser1124Phe (NM_001378194.1); and 5 more; short protein forms S1058F, S1059F, S1120F, S1127F, S465F, S1062F, S1085F, S1123F.
Identifiers: ClinVar variation 2013772 (VCV002013772.4), dbSNP rs781654832, ClinGen allele CA353528815.

ClinVar aggregate classification (germline): Uncertain significance (1 of 4 stars; one submission).

Submission:

Labcorp Genetics (formerly Invitae), Labcorp
Classification: Uncertain significance. Last evaluated: 2023-05-23. Review status: criteria provided, single submitter. Criteria: Invitae Variant Classification Sherloc (09022015). Collection method: clinical testing. Allele origin: germline.
Comment: This sequence change replaces serine, which is neutral and polar, with phenylalanine, which is neutral and non-polar, at codon 1058 of the ROBO2 protein (p.Ser1058Phe). This variant is not present in population databases (gnomAD no frequency). In summary, the available evidence is currently insufficient to determine the role of this variant in disease. Therefore, it has been classified as a Variant of Uncertain Significance. Advanced modeling of protein sequence and biophysical properties (such as structural, functional, and spatial information, amino acid conservation, physicochemical variation, residue mobility, and thermodynamic stability) performed at Invitae indicates that this missense variant is not expected to disrupt ROBO2 protein function. This variant has not been reported in the literature in individuals affected with ROBO2-related conditions. ClinVar contains an entry for this variant (Variation ID: 2013772).